The following is an entry in ClinVar:

ClinVar aggregate classification (germline): Conflicting classifications of pathogenicity. Review status: criteria provided, conflicting classifications (1 of 4 stars). 5 submissions from 4 submitters: Uncertain significance (2); Benign (1); Likely benign (1). 1 of the submissions does not count toward it. Last evaluated 2026-02-01.

Conditions:
ENPP1-related disorder. Also called: ENPP1-related condition; ENPP1-related disorders.
Arterial calcification, generalized, of infancy, 1 (GACI1). Also called: Idiopathic Infantile Arterial Calcification. Identifiers: Orphanet 51608, MedGen C4551985, MONDO:0008817, OMIM 208000.
Hypophosphatemic rickets, autosomal recessive, 2 (ARHR2). Identifiers: Orphanet 289176, MedGen C2750078, MONDO:0013219, OMIM 613312.

Allele frequency attached by ClinVar (database versions not stated): 1000 Genomes Project 0.00040; 1000 Genomes Project 30x 0.00047; TOPMed 0.00073; gnomAD 0.00080; ESP Exome Variant Server 0.00108.
gnomAD v4.1: 520 of 1,614,060 alleles (0.032%); highest among the groups gnomAD compares: African/African-American, 0.15%; 1 homozygote.

Submissions (7):

Labcorp Genetics (formerly Invitae), Labcorp
Classification: Benign. Last evaluated: 2026-02-01. Review status: criteria provided, single submitter. Criteria: Invitae Variant Classification Sherloc (09022015). Collection method: clinical testing. Allele origin: germline.

Blueprint Genetics
Classification: Likely benign. Last evaluated: 2024-08-22. Review status: criteria provided, single submitter. Criteria: ACMG Guidelines, 2015. Collection method: clinical testing. Allele origin: germline.

Illumina Laboratory Services, Illumina
Classification: Uncertain significance for Hypophosphatemic rickets, autosomal recessive, 2. Last evaluated: 2017-04-27. Review status: criteria provided, single submitter. Criteria: ICSL Variant Classification Criteria 13 December 2019. Collection method: clinical testing. Allele origin: germline.

Illumina Laboratory Services, Illumina
Classification: Uncertain significance for Arterial calcification, generalized, of infancy, 1. Last evaluated: 2017-04-27. Review status: criteria provided, single submitter. Criteria: ICSL Variant Classification Criteria 13 December 2019. Collection method: clinical testing. Allele origin: germline.

PreventionGenetics, part of Exact Sciences
Classification: Likely benign for ENPP1-related condition. Last evaluated: 2020-06-26. Review status: no assertion criteria provided. Collection method: clinical testing. Allele origin: germline. Not counted in ClinVar's aggregate classification.
Comment: This variant is classified as likely benign based on ACMG/AMP sequence variant interpretation guidelines (Richards et al. 2015 PMID: 25741868, with internal and published modifications).

Dr. Peter K. Rogan Lab, Western University
No classification provided (evidence only). Condition: Clear cell carcinoma of kidney. Review status: no classification provided. Collection method: in vitro. Allele origin: not applicable. Functional consequence: retained intron. Not counted in ClinVar's aggregate classification.

Dr. Peter K. Rogan Lab, Western University
No classification provided (evidence only). Condition: Thyroid cancer, nonmedullary, 1. Review status: no classification provided. Collection method: in vitro. Allele origin: not applicable. Functional consequence: retained intron. Not counted in ClinVar's aggregate classification.

NM_006208.3(ENPP1):c.522C>T (p.Gly174=)

Gene: ENPP1 (ectonucleotide pyrophosphatase/phosphodiesterase 1; plus strand). Cytogenetic location: 6q23.2.
Variant type: single nucleotide variant.
Coding change: c.522C>T on transcript NM_006208.3 (MANE Select); coding-DNA position 522, C replaced by T.
Protein change: p.Gly174=; no amino-acid change (glycine 174 retained).
Molecular consequence: synonymous variant.
Genome position (GRCh38, 1-based): chr6:131,851,233, C>T. VCF-style: chr6-131851233-C-T. GRCh37 (hg19) VCF-style: chr6-132172373-C-T.
Identifiers: ClinVar variation 722482 (VCV000722482.17), dbSNP rs144882196, ClinGen allele CA4001918.